The following is an entry in ClinVar:

NM_001366385.1(CARD14):c.357G>T (p.Met119Ile)

Gene: CARD14 (caspase recruitment domain family member 14; plus strand). Cytogenetic location: 17q25.3.
Variant type: single nucleotide variant.
Coding change: c.357G>T on transcript NM_001366385.1 (MANE Select); coding-DNA position 357, G replaced by T.
Protein change: p.Met119Ile; replaces methionine 119 with isoleucine.
Molecular consequence: missense variant. On other transcripts: non-coding transcript variant (1).
Genome position (GRCh38, 1-based): chr17:80,183,920, G>T. VCF-style: chr17-80183920-G-T. GRCh37 (hg19) VCF-style: chr17-78157719-G-T.
Other names: c.357G>T, p.Met119Ile (NM_001257970.1, NM_024110.4); short protein forms M119I.
Identifiers: ClinVar variation 4789096 (VCV004789096.1).

ClinVar aggregate classification (germline): Uncertain significance (1 of 4 stars; one submission).

Conditions:
Pityriasis rubra pilaris (PRP). Also called: Pityriasis rubra pilaris--familial type. Identifiers: Orphanet 2897, MedGen C0032027, MONDO:0100017, OMIM 173200, MONDO:0008251.
Psoriasis 2. Identifiers: MedGen C1864497, MONDO:0011269, OMIM 602723.

Submission:

Labcorp Genetics (formerly Invitae), Labcorp
Classification: Uncertain significance for Pityriasis rubra pilaris; Psoriasis 2. Last evaluated: 2025-05-21. Review status: criteria provided, single submitter. Criteria: Invitae Variant Classification Sherloc (09022015). Collection method: clinical testing. Allele origin: germline.
Comment: This sequence change replaces methionine, which is neutral and non-polar, with isoleucine, which is neutral and non-polar, at codon 119 of the CARD14 protein (p.Met119Ile). This variant is not present in population databases (gnomAD no frequency). This variant has not been reported in the literature in individuals affected with CARD14-related conditions. Invitae Evidence Modeling of protein sequence and biophysical properties (such as structural, functional, and spatial information, amino acid conservation, physicochemical variation, residue mobility, and thermodynamic stability) indicates that this missense variant is not expected to disrupt CARD14 protein function with a negative predictive value of 95%. This variant disrupts the p.Met119 amino acid residue in CARD14. Other variant(s) that disrupt this residue have been determined to be pathogenic (PMID: 29477734, 34004138, 34448248). This suggests that this residue is clinically significant, and that variants that disrupt this residue are likely to be disease-causing. In summary, the available evidence is currently insufficient to determine the role of this variant in disease. Therefore, it has been classified as a Variant of Uncertain Significance.

Literature cited by the submitters: PubMed 29477734; PubMed 34004138; PubMed 34448248.